The following is an entry in ClinVar:

ClinVar aggregate classification (germline): Likely pathogenic (1 of 4 stars; one submission).

Conditions:
Orofaciodigital syndrome I (OFD1). Also called: Papillon-Leage and Psaume Syndrome; OFDS I; Oral-Facial-Digital Syndrome Type I. Identifiers: Orphanet 2750, MedGen C1510460, MONDO:0010702, OMIM 311200.

Submission:

3billion
Classification: Likely pathogenic for Orofaciodigital syndrome I. Last evaluated: 2022-01-03. Review status: criteria provided, single submitter. Criteria: ACMG Guidelines, 2015. Collection method: clinical testing. Allele origin: germline. Affected: yes. Observed: 1 hemizygote.
Comment: Canonical splice site: predicted to alter splicing and result in a loss or disruption of normal protein function through protein truncation. Multiple pathogenic variants are reported in the predicted truncated region (PVS1_VS).It is not observed in the gnomAD v2.1.1 dataset (PM2_M). Therefore, this variant is classified as likely pathogenic according to the recommendation of ACMG/AMP guideline.

NM_003611.3(OFD1):c.2488+1G>A

Gene: OFD1 (OFD1 centriole and centriolar satellite protein; plus strand). Cytogenetic location: Xp22.2.
Variant type: single nucleotide variant.
Coding change: c.2488+1G>A on transcript NM_003611.3 (MANE Select); the canonical splice donor site of the intron after coding-DNA position 2488, G replaced by A.
Molecular consequence: splice donor variant.
Genome position (GRCh38, 1-based): chrX:13,762,445, G>A. VCF-style: chrX-13762445-G-A. GRCh37 (hg19) VCF-style: chrX-13780564-G-A.
Other names: c.2068+1G>A (NM_001330210.2); c.2368+1G>A (NM_001330209.2).
Identifiers: ClinVar variation 1333454 (VCV001333454.1), dbSNP rs2147060461, ClinGen allele CA412345389.